The following is an entry in ClinVar:

ClinVar aggregate classification (germline): Uncertain significance. Review status: criteria provided, multiple submitters, no conflicts (2 of 4 stars). 3 submissions from 3 submitters: Uncertain significance (3). Last evaluated 2024-04-23.

Conditions:
Anterior segment dysgenesis 3 (ASGD3). Also called: IRIDOGONIODYSGENESIS ANOMALY, AUTOSOMAL DOMINANT; Glaucoma iridogoniodysplasia, familial. Identifiers: Orphanet 91483, MedGen C5975707, MONDO:0024456, OMIM 601631.
Axenfeld-Rieger syndrome type 3 (RIEG3). Also called: AXENFELD-RIEGER ANOMALY WITH CARDIAC DEFECTS AND/OR SENSORINEURAL HEARING LOSS. Identifiers: Orphanet 782, MedGen C2678503, MONDO:0011233, OMIM 602482.

Allele frequency attached by ClinVar (database versions not stated): gnomAD 0.00001; gnomAD exomes 0.00001; TOPMed 0.00001.

Submissions (3):

Fulgent Genetics
Classification: Uncertain significance for Anterior segment dysgenesis 3; Axenfeld-Rieger syndrome type 3. Last evaluated: 2024-04-23. Review status: criteria provided, single submitter. Criteria: ACMG Guidelines, 2015. Collection method: clinical testing. Allele origin: germline.

Labcorp Genetics (formerly Invitae), Labcorp
Classification: Uncertain significance for Axenfeld-Rieger syndrome type 3. Last evaluated: 2023-10-14. Review status: criteria provided, single submitter. Criteria: Invitae Variant Classification Sherloc (09022015). Collection method: clinical testing. Allele origin: germline.
Comment: This sequence change replaces methionine, which is neutral and non-polar, with valine, which is neutral and non-polar, at codon 109 of the FOXC1 protein (p.Met109Val). This variant is not present in population databases (gnomAD no frequency). This missense change has been observed in individual(s) with clinical features of FOXC1-related conditions (PMID: 20881294). An algorithm developed to predict the effect of missense changes on protein structure and function (PolyPhen-2) suggests that this variant is likely to be disruptive. In summary, the available evidence is currently insufficient to determine the role of this variant in disease. Therefore, it has been classified as a Variant of Uncertain Significance.

Department of Pathology and Laboratory Medicine, Sinai Health System
Classification: Uncertain significance for Anterior segment dysgenesis 3. Last evaluated: 2023-02-09. Review status: criteria provided, single submitter. Criteria: ACMG Guidelines, 2015. Collection method: research. Allele origin: germline.

Literature cited by the submitters: PubMed 20881294 (cited by Labcorp Genetics (formerly Invitae), Labcorp).

NM_001453.3(FOXC1):c.325A>G (p.Met109Val)

Genes: FOXC1 (forkhead box C1; plus strand), LOC129995601 (ATAC-STARR-seq lymphoblastoid active region 23864; plus strand). Cytogenetic location: 6p25.3.
Variant type: single nucleotide variant.
Coding change: c.325A>G on transcript NM_001453.3 (MANE Select); coding-DNA position 325, A replaced by G.
Protein change: p.Met109Val; replaces methionine 109 with valine.
Molecular consequence: missense variant.
Genome position (GRCh38, 1-based): chr6:1,610,770, A>G. VCF-style: chr6-1610770-A-G. GRCh37 (hg19) VCF-style: chr6-1611005-A-G.
Other names: short protein forms M109V.
Identifiers: ClinVar variation 2768561 (VCV002768561.5), dbSNP rs917382067, ClinGen allele CA133389723.